The following is an entry in ClinVar:

ClinVar aggregate classification (germline): Pathogenic. Review status: criteria provided, multiple submitters, no conflicts (2 of 4 stars). 2 submissions from 2 submitters: Pathogenic (2). Last evaluated 2025-07-01.

Conditions:
Aicardi-Goutieres syndrome 2. Identifiers: Orphanet 51, MedGen C3489724, MONDO:0012429, OMIM 610181.

Submissions (2):

Myriad Genetics, Inc.
Classification: Pathogenic for Aicardi-Goutieres syndrome 2. Last evaluated: 2025-07-01. Review status: criteria provided, single submitter. Criteria: Myriad Autosomal Dominant, Autosomal Recessive and X-Linked Classification Criteria (2023). Collection method: clinical testing. Allele origin: unknown.
Comment: NM_024570.3(RNASEH2B):c.509dupA(V171Gfs*2) is a frameshift variant classified as pathogenic in the context of Aicardi-Goutieres syndrome. V171Gfs*2 has been observed in a case with relevant disease (PMID: 39630935). Relevant functional assessments of this variant are not available in the literature. V171Gfs*2 has not been observed in referenced population frequency databases. In summary, NM_024570.3(RNASEH2B):c.509dupA(V171Gfs*2) is a frameshift variant in a gene where loss of function is a known mechanism of disease, is predicted to disrupt protein function, and has been observed more frequently in cases with the relevant disease than in healthy populations. Please note: this variant was assessed in the context of healthy population screening.

Labcorp Genetics (formerly Invitae), Labcorp
Classification: Pathogenic for Aicardi-Goutieres syndrome 2. Last evaluated: 2023-04-22. Review status: criteria provided, single submitter. Criteria: Invitae Variant Classification Sherloc (09022015). Collection method: clinical testing. Allele origin: germline.
Comment: For these reasons, this variant has been classified as Pathogenic. This variant has not been reported in the literature in individuals affected with RNASEH2B-related conditions. This variant is not present in population databases (gnomAD no frequency). This sequence change creates a premature translational stop signal (p.Val171Glyfs*2) in the RNASEH2B gene. It is expected to result in an absent or disrupted protein product. Loss-of-function variants in RNASEH2B are known to be pathogenic (PMID: 17846997).

Literature cited by the submitters: PubMed 39630935 (cited by Myriad Genetics, Inc.); PubMed 17846997 (cited by Labcorp Genetics (formerly Invitae), Labcorp).

NM_024570.4(RNASEH2B):c.509dup (p.Val171fs)

Gene: RNASEH2B (ribonuclease H2 subunit B; plus strand). Cytogenetic location: 13q14.3.
Variant type: Duplication.
Coding change: c.509dup on transcript NM_024570.4 (MANE Select); coding-DNA position 509, one base duplicated (A; older notation c.509dupA).
Protein change: p.Val171fs; shifts the reading frame from valine 171.
Molecular consequence: frameshift variant.
Genome position (GRCh38, 1-based): chr13:50,943,393, A duplicated; the last of 7 consecutive A bases (chr13:50,943,387-50,943,393); duplicating any one gives the same sequence. VCF-style (leftmost placement, unchanged base first): chr13-50943386-G-GA. GRCh37 (hg19) VCF-style: chr13-51517522-G-GA.
Other names: c.509dup, p.Val171fs (NM_001142279.2, NM_001411023.1); short protein forms V171fs.
Identifiers: ClinVar variation 2820897 (VCV002820897.4), dbSNP rs1085307091, ClinGen allele CA2623067731.
Genomic context (GRCh38, chr13:50,943,386, plus strand): 5'-CCAGAAATAGACAACAAGAAATATTACAAGTACAGCAAAGAGAAGACATTAAAGTGGCTG[G>GA]AAAAAAAGGTATAGTTCCTCTCTAGTGCCTTGTGGTAAAAGTAAAAATTCAGTTCTCTAA-3'